The following is an entry in ClinVar:

NM_000038.6(APC):c.224T>C (p.Leu75Pro)

Gene: APC (APC regulator of Wnt signaling pathway; plus strand). Cytogenetic location: 5q22.2.
Variant type: single nucleotide variant.
Coding change: c.224T>C on transcript NM_000038.6 (MANE Select); coding-DNA position 224, T replaced by C.
Protein change: p.Leu75Pro; replaces leucine 75 with proline.
Molecular consequence: missense variant. On other transcripts: 5 prime UTR variant (1).
Genome position (GRCh38, 1-based): chr5:112,767,192, T>C. VCF-style: chr5-112767192-T-C. GRCh37 (hg19) VCF-style: chr5-112102889-T-C.
Other names: c.224T>C, p.Leu75Pro (NM_001127510.3, NM_001354895.2, NM_001354896.2 and 2 more transcripts); c.254T>C, p.Leu85Pro (NM_001127511.3, NM_001354897.2, NM_001354902.2); c.149T>C, p.Leu50Pro (NM_001354898.2, NM_001354904.2); c.47T>C, p.Leu16Pro (NM_001354900.2, NM_001354901.2, NM_001354905.2); c.-812T>C (NM_001354906.2); short protein forms L75P, L85P, L16P, L50P.
Identifiers: ClinVar variation 469739 (VCV000469739.14), dbSNP rs995081817, ClinGen allele CA16021831.

ClinVar aggregate classification (germline): Uncertain significance. Review status: criteria provided, multiple submitters, no conflicts (2 of 4 stars). 2 submissions from 2 submitters: Uncertain significance (2). Last evaluated 2018-11-16.

Conditions:
Hereditary cancer-predisposing syndrome. Also called: Hereditary neoplastic syndrome; Neoplastic Syndromes, Hereditary; Tumor predisposition; Hereditary Cancer Syndrome. Identifiers: Orphanet 140162, MedGen C0027672, MeSH D009386, MONDO:0015356.
Familial adenomatous polyposis 1 (FAP1). Also called: POLYPOSIS, ADENOMATOUS INTESTINAL; FAMILIAL ADENOMATOUS POLYPOSIS 1, ATTENUATED. Identifiers: MedGen C2713442, MONDO:0021056, OMIM 175100. Disease mechanism: loss of function.

gnomAD v4.1: 2 of 1,613,198 alleles (0.00012%); highest among the groups gnomAD compares: Non-Finnish European, 0.00017%; no homozygotes.

Submissions (2):

Ambry Genetics
Classification: Uncertain significance for Hereditary cancer-predisposing syndrome. Last evaluated: 2018-11-16. Review status: criteria provided, single submitter. Criteria: Ambry Variant Classification Scheme 2023. Collection method: clinical testing. Allele origin: germline.
Comment: The p.L75P variant (also known as c.224T>C), located in coding exon 3 of the APC gene, results from a T to C substitution at nucleotide position 224. The leucine at codon 75 is replaced by proline, an amino acid with similar properties. This amino acid position is highly conserved in available vertebrate species. In addition, in silico predictors for this gene do not accurately predict pathogenicity. Since supporting evidence is limited at this time, the clinical significance of this alteration remains unclear.

Labcorp Genetics (formerly Invitae), Labcorp
Classification: Uncertain significance for Familial adenomatous polyposis 1. Last evaluated: 2017-05-11. Review status: criteria provided, single submitter. Criteria: Invitae Variant Classification Sherloc (09022015). Collection method: clinical testing. Allele origin: germline.
Comment: This variant is not present in population databases (ExAC no frequency) and has not been reported in the literature in individuals with a APC-related disease. In summary, this variant is a novel missense change with uncertain impact on protein function. It has been classified as a Variant of Uncertain Significance. Algorithms developed to predict the effect of missense changes on protein structure and function do not agree on the potential impact of this missense change (SIFT: "Deleterious"; PolyPhen-2: "Possibly Damaging"; Align-GVGD: "Class C0"). This sequence change replaces leucine with proline at codon 75 of the APC protein (p.Leu75Pro). The leucine residue is moderately conserved and there is a moderate physicochemical difference between leucine and proline.